The following is an entry in ClinVar:

ClinVar aggregate classification (germline): Uncertain significance (1 of 4 stars; one submission).

Conditions:
Marinesco-Sjögren syndrome (MSS). Also called: Marinesco-Sjogren Syndrome; Marinesco-SjÃ¶gren syndrome. Identifiers: Orphanet 559, MedGen C0024814, MONDO:0009567, OMIM 248800.

Allele frequency attached by ClinVar (database versions not stated): TOPMed below 0.00001.
gnomAD v4.1: 2 of 1,614,104 alleles (0.00012%); highest among the groups gnomAD compares: Admixed American, 0.0033%; no homozygotes.

Submission:

Labcorp Genetics (formerly Invitae), Labcorp
Classification: Uncertain significance for Marinesco-Sjögren syndrome. Last evaluated: 2022-08-13. Review status: criteria provided, single submitter. Criteria: Invitae Variant Classification Sherloc (09022015). Collection method: clinical testing. Allele origin: germline.
Comment: In summary, the available evidence is currently insufficient to determine the role of this variant in disease. Therefore, it has been classified as a Variant of Uncertain Significance. This sequence change replaces proline, which is neutral and non-polar, with threonine, which is neutral and polar, at codon 163 of the SIL1 protein (p.Pro163Thr). This variant is present in population databases (no rsID available, gnomAD 0.006%). This variant has not been reported in the literature in individuals affected with SIL1-related conditions. Algorithms developed to predict the effect of missense changes on protein structure and function are either unavailable or do not agree on the potential impact of this missense change (SIFT: "Tolerated"; PolyPhen-2: "Probably Damaging"; Align-GVGD: "Class C0").

NM_022464.5(SIL1):c.487C>A (p.Pro163Thr)

Gene: SIL1 (SIL1 nucleotide exchange factor; minus strand). Cytogenetic location: 5q31.2.
Variant type: single nucleotide variant.
Coding change: c.487C>A on transcript NM_022464.5 (MANE Select); coding-DNA position 487, C replaced by A.
Protein change: p.Pro163Thr; replaces proline 163 with threonine.
Molecular consequence: missense variant.
Genome position (GRCh38, 1-based): chr5:139,026,959, G>T on the plus strand (C>A on the coding strand, the complement: SIL1 is on the minus strand). VCF-style: chr5-139026959-G-T. GRCh37 (hg19) VCF-style: chr5-138362648-G-T.
Other names: c.487C>A, p.Pro163Thr (NM_001037633.2); short protein forms P163T.
Identifiers: ClinVar variation 2143228 (VCV002143228.3), dbSNP rs886059977, ClinGen allele CA361135321.